The following is an entry in ClinVar:

NM_001394062.1(MACF1):c.336G>A (p.Ala112=)

Gene: MACF1 (microtubule actin crosslinking factor 1; plus strand). Cytogenetic location: 1p34.3.
Variant type: single nucleotide variant.
Coding change: c.336G>A on transcript NM_001394062.1 (MANE Select); coding-DNA position 336, G replaced by A.
Protein change: p.Ala112=; no amino-acid change (alanine 112 retained).
Molecular consequence: synonymous variant. On other transcripts: intron variant (1).
Genome position (GRCh38, 1-based): chr1:39,251,920, G>A. VCF-style: chr1-39251920-G-A. GRCh37 (hg19) VCF-style: chr1-39717592-G-A.
Other names: c.372+1817G>A (NM_012090.5).
Identifiers: ClinVar variation 3250565 (VCV003250565.18), dbSNP rs148817607.

ClinVar aggregate classification (germline): Benign (1 of 4 stars; one submission).

Allele frequency attached by ClinVar (database versions not stated): gnomAD exomes 0.00014; ExAC 0.00031; 1000 Genomes Project 30x 0.00109; gnomAD 0.00131; 1000 Genomes Project 0.00140; TOPMed 0.00151.
gnomAD v4.1: 415 of 1,515,350 alleles (0.027%); highest among the groups gnomAD compares: African/African-American, 0.49%; 2 homozygotes.

Submission:

CeGaT Center for Human Genetics Tuebingen
Classification: Benign. Last evaluated: 2026-02-01. Review status: criteria provided, single submitter. Criteria: CeGaT Center For Human Genetics Tuebingen Variant Classification Criteria Version 2. Collection method: clinical testing. Allele origin: germline. Affected: yes. Observed: 3 variant alleles.
Comment: MACF1: BP4, BS1, BS2